The following is an entry in ClinVar:

NM_024664.4(PPCS):c.208G>A (p.Ala70Thr)

Genes: CCDC30 (coiled-coil domain containing 30; plus strand), PPCS (phosphopantothenoylcysteine synthetase; plus strand). Cytogenetic location: 1p34.2.
Variant type: single nucleotide variant.
Coding change: c.208G>A on transcript NM_024664.4 (MANE Select); coding-DNA position 208, G replaced by A.
Protein change: p.Ala70Thr; replaces alanine 70 with threonine.
Molecular consequence: missense variant. On other transcripts: 5 prime UTR variant (1), intron variant (6).
Genome position (GRCh38, 1-based): chr1:42,456,773, G>A. VCF-style: chr1-42456773-G-A. GRCh37 (hg19) VCF-style: chr1-42922444-G-A.
Other names: c.-485G>A (NM_001287510.2); c.208G>A, p.Ala70Thr (NM_001287511.2); c.-984+274G>A (NM_001355226.2); c.-328+274G>A (NM_001287507.1); c.-12+274G>A (NM_001287506.1); c.-12+49G>A (NM_001287508.2); c.-12+145G>A (NM_001077447.3); c.-12+190G>A (NM_001287509.2); short protein forms A70T.
Identifiers: ClinVar variation 1899671 (VCV001899671.4), dbSNP rs765197908, ClinGen allele CA799923.

ClinVar aggregate classification (germline): Uncertain significance. Review status: criteria provided, multiple submitters, no conflicts (2 of 4 stars). 2 submissions from 2 submitters: Uncertain significance (2). Last evaluated 2025-08-12.

Conditions:
Inborn genetic diseases. Identifiers: MedGen C0950123, MeSH D030342.

Allele frequency attached by ClinVar (database versions not stated): ExAC 0.00001; gnomAD exomes 0.00001; gnomAD 0.00001; TOPMed 0.00002.
gnomAD v4.1: 9 of 1,612,526 alleles (0.00056%); highest among the groups gnomAD compares: East Asian, 0.016%; no homozygotes.

Submissions (2):

Ambry Genetics
Classification: Uncertain significance for Inborn genetic diseases. Last evaluated: 2025-08-12. Review status: criteria provided, single submitter. Criteria: Ambry Variant Classification Scheme 2023. Collection method: clinical testing. Allele origin: germline.

Labcorp Genetics (formerly Invitae), Labcorp
Classification: Uncertain significance. Last evaluated: 2022-10-25. Review status: criteria provided, single submitter. Criteria: Invitae Variant Classification Sherloc (09022015). Collection method: clinical testing. Allele origin: germline.
Comment: This sequence change replaces alanine, which is neutral and non-polar, with threonine, which is neutral and polar, at codon 70 of the PPCS protein (p.Ala70Thr). This variant is present in population databases (rs765197908, gnomAD 0.006%). This variant has not been reported in the literature in individuals affected with PPCS-related conditions. Advanced modeling of protein sequence and biophysical properties (such as structural, functional, and spatial information, amino acid conservation, physicochemical variation, residue mobility, and thermodynamic stability) performed at Invitae indicates that this missense variant is not expected to disrupt PPCS protein function. In summary, the available evidence is currently insufficient to determine the role of this variant in disease. Therefore, it has been classified as a Variant of Uncertain Significance.